The following is an entry in ClinVar:

NM_001127701.1(SERPINA1):c.17C>T (p.Ser6Leu)

Gene: SERPINA1 (serpin family A member 1; minus strand). Cytogenetic location: 14q32.13.
Variant type: single nucleotide variant.
Coding change: c.17C>T on transcript NM_001127701.1; coding-DNA position 17, C replaced by T.
Protein change: p.Ser6Leu; replaces serine 6 with leucine.
Molecular consequence: missense variant (on NM_000295.5).
Genome position (GRCh38, 1-based): chr14:94,383,221, G>A on the plus strand (C>T on the coding strand, the complement: SERPINA1 is on the minus strand). VCF-style: chr14-94383221-G-A. GRCh37 (hg19) VCF-style: chr14-94849558-G-A.
Other names: c.17C>T, p.Ser6Leu (NM_000295.5, NM_001002235.3, NM_001002236.3 and 8 more transcripts); short protein forms S6L.
Identifiers: ClinVar variation 17970 (VCV000017970.12), dbSNP rs140814100, ClinGen allele CA127682.

ClinVar aggregate classification (germline): Uncertain significance. Review status: criteria provided, multiple submitters, no conflicts (2 of 4 stars). 8 submissions from 8 submitters: Uncertain significance (4). 4 of the submissions do not count toward it. Last evaluated 2024-10-31.

Conditions:
Alpha-1-antitrypsin deficiency (A1ATD). Also called: AAT deficiency; A1AT deficiency; Alpha1-Antitrypsin Deficiency. Identifiers: Orphanet 60, MedGen C0221757, MONDO:0013282, OMIM 613490.
PI Z(WREXHAM).

Allele frequency attached by ClinVar (database versions not stated): gnomAD 0.00004; gnomAD exomes 0.00008 and 0.00007; ExAC 0.00007; TOPMed 0.00007; ESP Exome Variant Server 0.00023.

Submissions (8):

Blueprint Genetics
Classification: Uncertain significance. Last evaluated: 2024-10-31. Review status: criteria provided, single submitter. Criteria: ACMG Guidelines, 2015. Collection method: clinical testing. Allele origin: germline.

Labcorp Genetics (formerly Invitae), Labcorp
Classification: Uncertain significance for Alpha-1-antitrypsin deficiency. Last evaluated: 2024-03-21. Review status: criteria provided, single submitter. Criteria: Invitae Variant Classification Sherloc (09022015). Collection method: clinical testing. Allele origin: germline.
Comment: This sequence change replaces serine, which is neutral and polar, with leucine, which is neutral and non-polar, at codon 6 of the SERPINA1 protein (p.Ser6Leu). The frequency data for this variant in the population databases is considered unreliable, as metrics indicate poor data quality at this position in the gnomAD database. This missense change has been observed in individual(s) with SERPINA1-related conditions (PMID: 2227940). In at least one individual the data is consistent with being in trans (on the opposite chromosome) from a pathogenic variant. This variant is also known as Ser(-19)Leu. ClinVar contains an entry for this variant (Variation ID: 17970). Advanced modeling of protein sequence and biophysical properties (such as structural, functional, and spatial information, amino acid conservation, physicochemical variation, residue mobility, and thermodynamic stability) performed at Invitae indicates that this missense variant is expected to disrupt SERPINA1 protein function with a positive predictive value of 95%. In summary, the available evidence is currently insufficient to determine the role of this variant in disease. Therefore, it has been classified as a Variant of Uncertain Significance.

Fulgent Genetics
Classification: Uncertain significance for Alpha-1-antitrypsin deficiency. Last evaluated: 2022-02-16. Review status: criteria provided, single submitter. Criteria: ACMG Guidelines, 2015. Collection method: clinical testing. Allele origin: unknown.

Eurofins Ntd Llc (ga)
Classification: Uncertain significance. Last evaluated: 2018-01-09. Review status: criteria provided, single submitter. Criteria: EGL Classification Definitions 2015. Collection method: clinical testing. Allele origin: germline. Observed: 2 variant alleles, 2 heterozygotes.

Counsyl
Classification: Uncertain significance for Alpha-1-antitrypsin deficiency. Last evaluated: 2018-01-08. Review status: no assertion criteria provided. Collection method: clinical testing. Allele origin: unknown. Not counted in ClinVar's aggregate classification.

OMIM
Classification: other for PI Z(WREXHAM). Last evaluated: 2016-07-15. Review status: no assertion criteria provided. Collection method: literature only. Allele origin: germline. Not counted in ClinVar's aggregate classification.

Department of Laboratory Medicine and Genetics, Trillium Health Partners Credit Valley Hospital
Classification: Pathogenic for Alpha-1-antitrypsin deficiency. Last evaluated: 2014-12-08. Review status: no assertion criteria provided. Collection method: clinical testing. Allele origin: germline. Affected: yes. Not counted in ClinVar's aggregate classification.

CSER _CC_NCGL, University of Washington
Classification: Uncertain significance for Antitrypsin alpha 1 deficiency. Last evaluated: 2014-06-01. Review status: no assertion criteria provided. Collection method: research. Allele origin: germline. Inheritance: Autosomal recessive inheritance. Study: ESP 6500 variant annotation. Not counted in ClinVar's aggregate classification.
Comment: Variants classified for the Actionable exomic incidental findings in 6503 participants: challenges of variant classification manuscript

Literature cited by the submitters: PubMed 2227940 (cited by 3 submitters); PubMed 2394452 (cited by OMIM).